The following is an entry in ClinVar:

ClinVar aggregate classification (germline): Conflicting classifications of pathogenicity. Review status: criteria provided, conflicting classifications (1 of 4 stars). 3 submissions from 3 submitters: Uncertain significance (2); Benign (1). Last evaluated 2025-11-20.

Allele frequency attached by ClinVar (database versions not stated): ExAC 0.00004; ESP Exome Variant Server 0.00008; TOPMed 0.00001; gnomAD 0.00003; gnomAD exomes 0.00003 and 0.00004.
gnomAD v4.1: 40 of 1,614,020 alleles (0.0025%); highest among the groups gnomAD compares: Admixed American, 0.0033%; no homozygotes.

Submissions (3):

Labcorp Genetics (formerly Invitae), Labcorp
Classification: Uncertain significance. Last evaluated: 2025-11-20. Review status: criteria provided, single submitter. Criteria: Invitae Variant Classification Sherloc (09022015). Collection method: clinical testing. Allele origin: germline.
Comment: This sequence change replaces leucine, which is neutral and non-polar, with phenylalanine, which is neutral and non-polar, at codon 626 of the ADGRE2 protein (p.Leu626Phe). This variant is present in population databases (rs145425662, gnomAD 0.007%). This variant has not been reported in the literature in individuals affected with ADGRE2-related conditions. ClinVar contains an entry for this variant (Variation ID: 1685024). An algorithm developed to predict the effect of missense changes on protein structure and function outputs the following: PolyPhen-2: "Probably Damaging". The phenylalanine amino acid residue is found in multiple mammalian species, which suggests that this missense change does not adversely affect protein function. In summary, the available evidence is currently insufficient to determine the role of this variant in disease. Therefore, it has been classified as a Variant of Uncertain Significance.

Ambry Genetics
Classification: Uncertain significance. Last evaluated: 2023-08-28. Review status: criteria provided, single submitter. Criteria: Ambry Variant Classification Scheme 2023. Collection method: clinical testing. Allele origin: germline.

Mendelics
Classification: Benign. Last evaluated: 2022-05-04. Review status: criteria provided, single submitter. Criteria: Mendelics Assertion Criteria 2019. Collection method: clinical testing. Allele origin: germline.

NM_013447.4(ADGRE2):c.1876C>T (p.Leu626Phe)

Gene: ADGRE2 (adhesion G protein-coupled receptor E2; minus strand). Cytogenetic location: 19p13.12.
Variant type: single nucleotide variant.
Coding change: c.1876C>T on transcript NM_013447.4 (MANE Select); coding-DNA position 1876, C replaced by T.
Protein change: p.Leu626Phe; replaces leucine 626 with phenylalanine.
Molecular consequence: missense variant.
Genome position (GRCh38, 1-based): chr19:14,751,584, G>A on the plus strand (C>T on the coding strand, the complement: ADGRE2 is on the minus strand). VCF-style: chr19-14751584-G-A. GRCh37 (hg19) VCF-style: chr19-14862396-G-A.
Other names: c.1702C>T, p.Leu568Phe (NM_001271052.1); c.1876C>T (NM_013447.2); short protein forms L568F, L626F.
Identifiers: ClinVar variation 1685024 (VCV001685024.6), dbSNP rs145425662, ClinGen allele CA9257565.